The following is an entry in ClinVar:

ClinVar aggregate classification (germline): Uncertain significance (1 of 4 stars; one submission).

Submission:

Labcorp Genetics (formerly Invitae), Labcorp
Classification: Uncertain significance. Last evaluated: 2020-12-22. Review status: criteria provided, single submitter. Criteria: Invitae Variant Classification Sherloc (09022015). Collection method: clinical testing. Allele origin: germline.
Comment: This sequence change replaces proline with serine at codon 255 of the PEX3 protein (p.Pro255Ser). The proline residue is weakly conserved and there is a moderate physicochemical difference between proline and serine. This variant is not present in population databases (ExAC no frequency). This variant has not been reported in the literature in individuals with PEX3-related conditions. Algorithms developed to predict the effect of missense changes on protein structure and function output the following: SIFT: "Tolerated"; PolyPhen-2: "Benign"; Align-GVGD: "Class C0". The serine amino acid residue is found in multiple mammalian species, suggesting that this missense change does not adversely affect protein function. These predictions have not been confirmed by published functional studies and their clinical significance is uncertain. In summary, the available evidence is currently insufficient to determine the role of this variant in disease. Therefore, it has been classified as a Variant of Uncertain Significance.

NM_003630.3(PEX3):c.763C>T (p.Pro255Ser)

Gene: PEX3 (peroxisomal biogenesis factor 3; plus strand). Cytogenetic location: 6q24.2.
Variant type: single nucleotide variant.
Coding change: c.763C>T on transcript NM_003630.3 (MANE Select); coding-DNA position 763, C replaced by T.
Protein change: p.Pro255Ser; replaces proline 255 with serine.
Molecular consequence: missense variant.
Genome position (GRCh38, 1-based): chr6:143,474,801, C>T. VCF-style: chr6-143474801-C-T. GRCh37 (hg19) VCF-style: chr6-143795938-C-T.
Other names: short protein forms P255S.
Identifiers: ClinVar variation 1358830 (VCV001358830.7), dbSNP rs2128747102, ClinGen allele CA365913102.